The following is an entry in ClinVar:

NM_019892.6(INPP5E):c.266A>G (p.Lys89Arg)

Gene: INPP5E (inositol polyphosphate-5-phosphatase E; minus strand). Cytogenetic location: 9q34.3.
Variant type: single nucleotide variant.
Coding change: c.266A>G on transcript NM_019892.6 (MANE Select); coding-DNA position 266, A replaced by G.
Protein change: p.Lys89Arg; replaces lysine 89 with arginine.
Molecular consequence: missense variant.
Genome position (GRCh38, 1-based): chr9:136,439,154, T>C on the plus strand (A>G on the coding strand, the complement: INPP5E is on the minus strand). VCF-style: chr9-136439154-T-C. GRCh37 (hg19) VCF-style: chr9-139333606-T-C.
Other names: c.266A>G, p.Lys89Arg (NM_001318502.2); c.266A>G (NM_019892.5); short protein forms K89R.
Identifiers: ClinVar variation 1420868 (VCV001420868.9), dbSNP rs909863600, ClinGen allele CA201649193.

ClinVar aggregate classification (germline): Uncertain significance. Review status: criteria provided, multiple submitters, no conflicts (2 of 4 stars). 3 submissions from 3 submitters: Uncertain significance (3). Last evaluated 2026-09-09.

Conditions:
INPP5E-related disorder. Also called: INPP5E-related condition.
Joubert syndrome. Also called: JOUBERT-BOLTSHAUSER SYNDROME; Familial aplasia of the vermis. Identifiers: Orphanet 475, MedGen C5979921, MONDO:0018772.
Joubert syndrome 1 (JBTS1). Also called: CEREBELLOPARENCHYMAL DISORDER IV; Cerebellooculorenal syndrome 1. Identifiers: MedGen C4551568, MONDO:0008944, OMIM 213300.
MORM syndrome (MORMS). Identifiers: Orphanet 75858, MedGen C1857802, MONDO:0012423, OMIM 610156.

Allele frequency attached by ClinVar (database versions not stated): gnomAD exomes below 0.00001; gnomAD 0.00001; TOPMed 0.00003.

Submissions (3):

PreventionGenetics, part of Exact Sciences
Classification: Uncertain significance for INPP5E-related condition. Last evaluated: 2026-09-09. Review status: criteria provided, single submitter. Criteria: ACMG Guidelines, 2015. Collection method: clinical testing. Allele origin: germline.
Comment: The INPP5E c.266A>G variant is predicted to result in the amino acid substitution p.Lys89Arg. To our knowledge, this variant has not been reported in the literature or in a large population database (gnomAD), indicating this variant is rare. At this time, the clinical significance of this variant is uncertain due to the absence of conclusive functional and genetic evidence.

Fulgent Genetics
Classification: Uncertain significance for Joubert syndrome 1; MORM syndrome. Last evaluated: 2024-01-15. Review status: criteria provided, single submitter. Criteria: ACMG Guidelines, 2015. Collection method: clinical testing. Allele origin: germline.

Labcorp Genetics (formerly Invitae), Labcorp
Classification: Uncertain significance for Joubert syndrome. Last evaluated: 2023-09-05. Review status: criteria provided, single submitter. Criteria: Invitae Variant Classification Sherloc (09022015). Collection method: clinical testing. Allele origin: germline.
Comment: In summary, the available evidence is currently insufficient to determine the role of this variant in disease. Therefore, it has been classified as a Variant of Uncertain Significance. Advanced modeling of protein sequence and biophysical properties (such as structural, functional, and spatial information, amino acid conservation, physicochemical variation, residue mobility, and thermodynamic stability) performed at Invitae indicates that this missense variant is not expected to disrupt INPP5E protein function. ClinVar contains an entry for this variant (Variation ID: 1420868). This variant has not been reported in the literature in individuals affected with INPP5E-related conditions. This variant is not present in population databases (gnomAD no frequency). This sequence change replaces lysine, which is basic and polar, with arginine, which is basic and polar, at codon 89 of the INPP5E protein (p.Lys89Arg).